The following is an entry in ClinVar:

NM_000350.3(ABCA4):c.3986del (p.Pro1329fs)

Gene: ABCA4 (ATP binding cassette subfamily A member 4; minus strand). Cytogenetic location: 1p22.1.
Variant type: Deletion.
Coding change: c.3986del on transcript NM_000350.3 (MANE Select); coding-DNA position 3986, one base deleted (C; older notation c.3986delC).
Protein change: p.Pro1329fs; shifts the reading frame from proline 1329.
Molecular consequence: frameshift variant.
Genome position (GRCh38, 1-based): chr1:94,031,920, G deleted on the plus strand (C on the coding strand, the reverse complement: ABCA4 is on the minus strand); the first of 3 consecutive G bases (chr1:94,031,920-94,031,922); deleting any one gives the same sequence. VCF-style (leftmost placement, unchanged base first): chr1-94031919-TG-T. GRCh37 (hg19) VCF-style: chr1-94497475-TG-T.
Other names: c.3762delC, p.Pro1255Glnfs (NM_001425324.1); short protein forms P1329fs.
Identifiers: ClinVar variation 2014201 (VCV002014201.4), dbSNP rs2523733624, ClinGen allele CA2580063395.

ClinVar aggregate classification (germline): Pathogenic (1 of 4 stars; one submission).

Submission:

Labcorp Genetics (formerly Invitae), Labcorp
Classification: Pathogenic. Last evaluated: 2022-07-05. Review status: criteria provided, single submitter. Criteria: Invitae Variant Classification Sherloc (09022015). Collection method: clinical testing. Allele origin: germline.
Comment: For these reasons, this variant has been classified as Pathogenic. This variant has not been reported in the literature in individuals affected with ABCA4-related conditions. This variant is not present in population databases (gnomAD no frequency). This sequence change creates a premature translational stop signal (p.Pro1329Glnfs*60) in the ABCA4 gene. It is expected to result in an absent or disrupted protein product. Loss-of-function variants in ABCA4 are known to be pathogenic (PMID: 10958761, 24938718, 25312043, 26780318).

Literature cited by the submitters: PubMed 10958761; PubMed 24938718; PubMed 25312043; PubMed 26780318.